The following is an entry in ClinVar:

ClinVar aggregate classification (germline): Conflicting classifications of pathogenicity. Review status: criteria provided, conflicting classifications (1 of 4 stars). 14 submissions from 14 submitters: Uncertain significance (9); Likely benign (4). 1 of the submissions does not count toward it. Last evaluated 2026-07-29.

Conditions:
Endometrial carcinoma. Also called: Endometrial carcinoma, somatic. Identifiers: MedGen C0476089, MONDO:0002447, OMIM 608089, HP:0012114.
Lynch syndrome 5 (LYNCH5). Also called: Hereditary non-polyposis colorectal cancer, type 5; Colorectal cancer, hereditary nonpolyposis, type 5. Identifiers: Orphanet 144, MedGen C1833477, MONDO:0013710, OMIM 614350. Disease mechanism: loss of function.
Mismatch repair cancer syndrome 3. Identifiers: MedGen C5436807, MONDO:0030841, OMIM 619097.
MSH6-related disorder. Also called: MSH6-related condition; MSH6-Related disorders.
Hereditary nonpolyposis colorectal neoplasms. Identifiers: MedGen C0009405, MeSH D003123.
Hereditary cancer-predisposing syndrome. Also called: Neoplastic Syndromes, Hereditary; Tumor predisposition; Hereditary Cancer Syndrome; Hereditary neoplastic syndrome. Identifiers: Orphanet 140162, MedGen C0027672, MeSH D009386, MONDO:0015356.

Allele frequency attached by ClinVar (database versions not stated): ExAC 0.00002; gnomAD exomes 0.00002; gnomAD 0.00005; ESP Exome Variant Server 0.00008; TOPMed 0.00009; 1000 Genomes Project 30x 0.00016; 1000 Genomes Project 0.00020.
gnomAD v4.1: 19 of 1,614,222 alleles (0.0012%); highest among the groups gnomAD compares: Admixed American, 0.022%; no homozygotes.

Submissions (14):

PreventionGenetics, part of Exact Sciences
Classification: Uncertain significance for MSH6-related condition. Last evaluated: 2026-07-29. Review status: criteria provided, single submitter. Criteria: ACMG Guidelines, 2015. Collection method: clinical testing. Allele origin: germline.
Comment: The MSH6 c.1746T>G variant is predicted to result in the amino acid substitution p.Phe582Leu. To our knowledge, this variant has not been reported in the literature. This variant is reported in 0.014% of alleles in individuals of Latino descent in gnomAD and has conflicting interpretations in ClinVar ranging from likely benign to uncertain (Variation ID: 127563). At this time, the clinical significance of this variant is uncertain due to the absence of conclusive functional and genetic evidence.

Labcorp Genetics (formerly Invitae), Labcorp
Classification: Likely benign for Hereditary nonpolyposis colorectal neoplasms. Last evaluated: 2026-02-01. Review status: criteria provided, single submitter. Criteria: Invitae Variant Classification Sherloc (09022015). Collection method: clinical testing. Allele origin: germline.

Women's Health and Genetics/Laboratory Corporation of America, LabCorp
Classification: Likely benign. Last evaluated: 2025-11-06. Review status: criteria provided, single submitter. Criteria: LabCorp Variant Classification Summary - May 2015. Collection method: clinical testing. Allele origin: germline.
Comment: Variant summary: MSH6 c.1746T>G (p.Phe582Leu) results in a non-conservative amino acid change located in the connector domain (IPR007860) of the encoded protein sequence. Algorithms developed to predict the effect of missense changes on protein structure and function are either unavailable or do not agree on the potential impact of this missense change. The variant allele was found at a frequency of 1.2e-05 in 1614222 control chromosomes, predominantly at a frequency of 0.00022 within the Latino subpopulation in the gnomAD v4 database. The observed variant frequency within Latino control individuals in the gnomAD database exceeds the estimated maximal expected allele frequency for disease-causing variants in MSH6. To our knowledge, no occurrence of c.1746T>G in individuals affected with MSH6-related conditions and no experimental evidence demonstrating its impact on protein function have been reported. The following publication has been ascertained in the context of this evaluation (PMID: 23621914).ClinVar contains an entry for this variant (Variation ID: 127563). Based on the evidence outlined above, the variant was classified as likely benign.

GeneDx
Classification: Uncertain significance. Last evaluated: 2025-03-21. Review status: criteria provided, single submitter. Criteria: GeneDx Variant Classification Process June 2021. Collection method: clinical testing. Allele origin: germline. Affected: yes.
Comment: In silico analysis indicates that this missense variant does not alter protein structure/function; Has not been previously published as pathogenic or benign to our knowledge; This variant is associated with the following publications: (PMID: 23621914, 37043650, 17531815, 21120944)

Ambry Genetics
Classification: Uncertain significance for Hereditary cancer-predisposing syndrome. Last evaluated: 2025-01-19. Review status: criteria provided, single submitter. Criteria: Ambry Variant Classification Scheme 2023. Collection method: clinical testing. Allele origin: germline.

Color Diagnostics, LLC DBA Color Health
Classification: Likely benign for Hereditary cancer-predisposing syndrome. Last evaluated: 2024-10-10. Review status: criteria provided, single submitter. Criteria: ACMG Guidelines, 2015. Collection method: clinical testing. Allele origin: germline.

Fulgent Genetics
Classification: Uncertain significance for Endometrial carcinoma; Lynch syndrome 5; Mismatch repair cancer syndrome 3. Last evaluated: 2024-03-13. Review status: criteria provided, single submitter. Criteria: ACMG Guidelines, 2015. Collection method: clinical testing. Allele origin: germline.

Baylor Genetics
Classification: Uncertain significance for Endometrial carcinoma. Last evaluated: 2024-02-21. Review status: criteria provided, single submitter. Criteria: ACMG Guidelines, 2015. Collection method: clinical testing. Allele origin: unknown.

Quest Diagnostics Nichols Institute San Juan Capistrano
Classification: Uncertain significance. Last evaluated: 2024-01-12. Review status: criteria provided, single submitter. Criteria: Quest Diagnostics criteria. Collection method: clinical testing. Allele origin: unknown.
Comment: The MSH6 c.1746T>G (p.Phe582Leu) variant has been predicted to have no impact on protein function (PMID: 23621914 (2013)). The frequency of this variant in the general population, 0.00014 (5/34588 chromosomes (Genome Aggregation Database)), is uninformative in the assessment of its pathogenicity. Analysis of this variant using bioinformatics tools for the prediction of the effect of amino acid changes on protein structure and function yielded predictions that this variant is benign. Based on the available information, we are unable to determine the clinical significance of this variant.

Myriad Genetics, Inc.
Classification: Likely benign for Lynch syndrome 5. Last evaluated: 2023-03-29. Review status: criteria provided, single submitter. Criteria: Myriad Autosomal Dominant, Autosomal Recessive and X-Linked Classification Criteria (2023). Collection method: clinical testing. Allele origin: unknown.
Comment: This variant is considered likely benign. This variant has been observed in trans with a known pathogenic variant in one or more individuals lacking clinical features consistent with gene-specific recessive disease.

Sema4
Classification: Uncertain significance for Hereditary cancer-predisposing syndrome. Last evaluated: 2022-02-15. Review status: criteria provided, single submitter. Criteria: Sema4 Curation Guidelines. Collection method: curation. Allele origin: germline.
Comment: To the best of our knowledge, the MSH6 c.1746T>G (p.F582L) variant has not been reported in individuals with MSH6-related disease. It was observed in 5/34588 chromosomes of the Latino subpopulation in the large and broad cohorts of the Genome Aggregation Database (PMID: 32461654). This variant has been reported in ClinVar (Variation ID 127563). Functional studies have not been performed, and in silico predictions of the variant's effect on protein function are inconclusive. The evidence is insufficient to meet ACMG/AMP criteria for classifying the variant as benign or pathogenic. Thus, the clinical significance of this variant is currently uncertain.

Genetic Services Laboratory, University of Chicago
Classification: Uncertain significance. Last evaluated: 2020-01-09. Review status: criteria provided, single submitter. Criteria: ACMG Guidelines, 2015. Collection method: clinical testing. Allele origin: germline. Affected: no.
Comment: DNA sequence analysis of the MSH6 gene demonstrated a sequence change, c.1746T>G, in exon 4 that results in an amino acid change, p.Phe582Leu. This sequence change does not appear to have been previously described in patients with MSH6-related disorders and has been described in the gnomAD database with a frequency of 0.01% in African populations (dbSNP rs201518545). The p.Phe582Leu change affects a moderately conserved amino acid residue located in a domain of the MSH6 protein that is known to be functional. In-silico pathogenicity prediction tools (SIFT, PolyPhen2, Align GVGD, REVEL) provide contradictory results for the p.Phe582Leu substitution. Due to these contrasting evidences and the lack of functional studies, the clinical significance of the p.Phe582Leu change remains unknown at this time.

Mayo Clinic Laboratories, Mayo Clinic
Classification: Uncertain significance. Last evaluated: 2019-06-07. Review status: criteria provided, single submitter. Criteria: ACMG Guidelines, 2015. Collection method: clinical testing. Allele origin: germline. Observed: 1 variant allele.

Counsyl
Classification: Uncertain significance for Lynch syndrome 5. Last evaluated: 2015-12-04. Review status: no assertion criteria provided. Collection method: clinical testing. Allele origin: unknown. Not counted in ClinVar's aggregate classification.

Literature cited by the submitters: PubMed 23621914 (cited by Women's Health and Genetics/Laboratory Corporation of America, LabCorp and Quest Diagnostics Nichols Institute San Juan Capistrano).

NM_000179.3(MSH6):c.1746T>G (p.Phe582Leu)

Gene: MSH6 (mutS homolog 6; plus strand). Cytogenetic location: 2p16.3.
Variant type: single nucleotide variant.
Coding change: c.1746T>G on transcript NM_000179.3 (MANE Select); coding-DNA position 1746, T replaced by G.
Protein change: p.Phe582Leu; replaces phenylalanine 582 with leucine.
Molecular consequence: missense variant.
Genome position (GRCh38, 1-based): chr2:47,799,729, T>G. VCF-style: chr2-47799729-T-G. GRCh37 (hg19) VCF-style: chr2-48026868-T-G.
Other names: p.F582L:TTT>TTG; c.1356T>G, p.Phe452Leu (NM_001281492.2); c.840T>G, p.Phe280Leu (NM_001281493.2, NM_001281494.2); short protein forms F582L, F280L, F452L.
Identifiers: ClinVar variation 127563 (VCV000127563.48), dbSNP rs201518545, ClinGen allele CA009115.